The following is an entry in ClinVar:

NM_000141.5(FGFR2):c.380C>G (p.Ala127Gly)

Gene: FGFR2 (fibroblast growth factor receptor 2; minus strand). Cytogenetic location: 10q26.13.
Variant type: single nucleotide variant.
Coding change: c.380C>G on transcript NM_000141.5 (MANE Select); coding-DNA position 380, C replaced by G.
Protein change: p.Ala127Gly; replaces alanine 127 with glycine.
Molecular consequence: missense variant. On other transcripts: intron variant (2).
Genome position (GRCh38, 1-based): chr10:121,564,576, G>C on the plus strand (C>G on the coding strand, the complement: FGFR2 is on the minus strand). VCF-style: chr10-121564576-G-C. GRCh37 (hg19) VCF-style: chr10-123324090-G-C.
Other names: c.380C>G, p.Ala127Gly (NM_001144913.1, NM_001144914.1, NM_001144917.2 and 2 more transcripts); c.113C>G, p.Ala38Gly (NM_001144915.2, NM_001144919.2, NM_023029.3); c.110-13117C>G (NM_001144918.2, NM_001144916.2); short protein forms A127G, A38G.
Identifiers: ClinVar variation 3766034 (VCV003766034.1).

ClinVar aggregate classification (germline): Uncertain significance (1 of 4 stars; one submission).

gnomAD v4.1: 1 of 1,613,658 alleles (0.000062%); highest among the groups gnomAD compares: Non-Finnish European, 0.000085%; no homozygotes.

Submission:

GeneDx
Classification: Uncertain significance. Last evaluated: 2024-08-31. Review status: criteria provided, single submitter. Criteria: GeneDx Variant Classification Process June 2021. Collection method: clinical testing. Allele origin: germline. Affected: yes.
Comment: Not observed at significant frequency in large population cohorts (gnomAD); In silico analysis supports that this missense variant has a deleterious effect on protein structure/function; Has not been previously published as pathogenic or benign to our knowledge